The following is an entry in ClinVar:

ClinVar aggregate classification (germline): Uncertain significance (1 of 4 stars; one submission).

Conditions:
SALL1-related disorder. Also called: SALL1-related condition.

Submission:

PreventionGenetics, part of Exact Sciences
Classification: Uncertain significance for SALL1-related condition. Last evaluated: 2025-11-24. Review status: criteria provided, single submitter. Criteria: ACMG Guidelines, 2015. Collection method: clinical testing. Allele origin: germline.
Comment: The SALL1 c.463A>G variant is predicted to result in the amino acid substitution p.Ser155Gly. To our knowledge, this variant has not been reported in the literature. This variant is reported in 0.0044% of alleles in individuals of European (non-Finnish) descent in gnomAD. At this time, the clinical significance of this variant is uncertain due to the absence of conclusive functional and genetic evidence.

NM_002968.3(SALL1):c.463A>G (p.Ser155Gly)

Gene: SALL1 (spalt like transcription factor 1; minus strand). Cytogenetic location: 16q12.1.
Variant type: single nucleotide variant.
Coding change: c.463A>G on transcript NM_002968.3 (MANE Select); coding-DNA position 463, A replaced by G.
Protein change: p.Ser155Gly; replaces serine 155 with glycine.
Molecular consequence: missense variant.
Genome position (GRCh38, 1-based): chr16:51,141,759, T>C on the plus strand (A>G on the coding strand, the complement: SALL1 is on the minus strand). VCF-style: chr16-51141759-T-C. GRCh37 (hg19) VCF-style: chr16-51175670-T-C.
Other names: c.172A>G, p.Ser58Gly (NM_001127892.2); short protein forms S58G, S155G.
Identifiers: ClinVar variation 4980084 (VCV004980084.1).